The following is an entry in ClinVar:

NM_000135.4(FANCA):c.2089G>A (p.Val697Ile)

Gene: FANCA (FA complementation group A; minus strand). Cytogenetic location: 16q24.3.
Variant type: single nucleotide variant.
Coding change: c.2089G>A on transcript NM_000135.4 (MANE Select); coding-DNA position 2089, G replaced by A.
Protein change: p.Val697Ile; replaces valine 697 with isoleucine.
Molecular consequence: missense variant.
Genome position (GRCh38, 1-based): chr16:89,771,740, C>T on the plus strand (G>A on the coding strand, the complement: FANCA is on the minus strand). VCF-style: chr16-89771740-C-T. GRCh37 (hg19) VCF-style: chr16-89838148-C-T.
Other names: c.2089G>A (LRG_495t1, NM_000135.3); c.2089G>A, p.Val697Ile (NM_001286167.3); short protein forms V697I.
Identifiers: ClinVar variation 639926 (VCV000639926.15), dbSNP rs376888740, ClinGen allele CA8251915.

ClinVar aggregate classification (germline): Uncertain significance. Review status: criteria provided, multiple submitters, no conflicts (2 of 4 stars). 6 submissions from 6 submitters: Uncertain significance (5). 1 of the submissions does not count toward it. Last evaluated 2026-01-24.

Conditions:
Fanconi anemia complementation group A (FANCA). Also called: Fanconi anemia, group A; FANCA-Related Fanconi Anemia. Identifiers: Orphanet 84, MedGen C3469521, MONDO:0009215, OMIM 227650.
Fanconi anemia (FA). Also called: Fanconi's anemia. Identifiers: Orphanet 84, MedGen C0015625, MeSH D005199, MONDO:0019391.

Allele frequency attached by ClinVar (database versions not stated): ESP Exome Variant Server 0.00008; TOPMed 0.00008; gnomAD 0.00010.
gnomAD v4.1: 104 of 1,614,146 alleles (0.0064%); highest among the groups gnomAD compares: African/African-American, 0.011%; no homozygotes.

Submissions (6):

Labcorp Genetics (formerly Invitae), Labcorp
Classification: Uncertain significance for Fanconi anemia. Last evaluated: 2026-01-24. Review status: criteria provided, single submitter. Criteria: Invitae Variant Classification Sherloc (09022015). Collection method: clinical testing. Allele origin: germline.
Comment: This sequence change replaces valine, which is neutral and non-polar, with isoleucine, which is neutral and non-polar, at codon 697 of the FANCA protein (p.Val697Ile). This variant is present in population databases (rs376888740, gnomAD 0.006%). This missense change has been observed in individual(s) with Fanconi anemia (PMID: 29098742). ClinVar contains an entry for this variant (Variation ID: 639926). Invitae Evidence Modeling of protein sequence and biophysical properties (such as structural, functional, and spatial information, amino acid conservation, physicochemical variation, residue mobility, and thermodynamic stability) indicates that this missense variant is not expected to disrupt FANCA protein function with a negative predictive value of 95%. Experimental studies have shown that this missense change does not substantially affect FANCA function (PMID: 29098742). In summary, the available evidence is currently insufficient to determine the role of this variant in disease. Therefore, it has been classified as a Variant of Uncertain Significance.

GeneDx
Classification: Uncertain significance. Last evaluated: 2025-02-11. Review status: criteria provided, single submitter. Criteria: GeneDx Variant Classification Process June 2021. Collection method: clinical testing. Allele origin: germline.
Comment: Identified in a patient with Fanconi anemia, however, functional assays revealed that this variant leads to protein expression similar to wild type and may not be pathogenic (PMID: 29098742); In silico analysis indicates that this missense variant does not alter protein structure/function; This variant is associated with the following publications: (PMID: 29098742)

Quest Diagnostics Nichols Institute San Juan Capistrano
Classification: Uncertain significance. Last evaluated: 2025-01-17. Review status: criteria provided, single submitter. Criteria: Quest Diagnostics criteria. Collection method: clinical testing. Allele origin: unknown.
Comment: The FANCA c.2089G>A (p.Val697Ile) variant has been reported in the published literature in an individual with Fanconi anemia, however experimental studies indicate it had no deleterious effects on FANCA protein expression, nuclear localization, and overall cell survival (PMID: 29098742 (2018)). This variant has also been identified in a reportedly healthy individual (PMID: 32546565 (2021)). The frequency of this variant in the general population (Genome Aggregation Database) is uninformative in the assessment of its pathogenicity. Analysis of this variant using bioinformatics tools for the prediction of the effect of amino acid changes on protein structure and function yielded predictions that this variant is benign. Based on the available information, we are unable to determine the clinical significance of this variant.

St. Jude Molecular Pathology, St. Jude Children's Research Hospital
Classification: Uncertain significance for Fanconi anemia complementation group A. Last evaluated: 2023-04-18. Review status: criteria provided, single submitter. Criteria: St. Jude Assertion Criteria 2020. Collection method: clinical testing. Allele origin: germline.
Comment: The FANCA c.2089G>A (p.Val697Ile) change has a maximum subpopulation frequency of 0.0062% in gnomAD v2.1.1. The in silico tool REVEL predicts a benign effect on protein function, and functional analysis indicated that the variant is non-pathogenic (PMID: 29098742). This variant was reportedly observed in one individual with Fanconi anemia, however the zygosity or identification of a second variant was not indicated (PMID: 29098742). In summary, the evidence currently available is insufficient to determine the clinical significance of this variant. It has therefore been classified as of uncertain significance.

Fulgent Genetics
Classification: Uncertain significance for Fanconi anemia complementation group A. Last evaluated: 2022-05-09. Review status: criteria provided, single submitter. Criteria: ACMG Guidelines, 2015. Collection method: clinical testing. Allele origin: unknown.

Natera, Inc.
Classification: Uncertain significance for Fanconi anemia. Last evaluated: 2020-03-21. Review status: no assertion criteria provided. Collection method: clinical testing. Allele origin: germline. Not counted in ClinVar's aggregate classification.

Literature cited by the submitters: PubMed 29098742 (cited by Labcorp Genetics (formerly Invitae), Labcorp and Quest Diagnostics Nichols Institute San Juan Capistrano); PubMed 32546565 (cited by Quest Diagnostics Nichols Institute San Juan Capistrano).